The following is an entry in ClinVar:

ClinVar aggregate classification (germline): Conflicting classifications of pathogenicity. Review status: criteria provided, conflicting classifications (1 of 4 stars). 10 submissions from 9 submitters: Uncertain significance (2); Benign (3); Likely benign (2). 3 of the submissions do not count toward it. Last evaluated 2026-02-01.

Conditions:
Usher syndrome type 1 (USH1). Also called: RETINITIS PIGMENTOSA AND CONGENITAL DEAFNESS. Identifiers: Orphanet 231169, Orphanet 886, MedGen C1568247, MONDO:0010168, OMIM 276900.
Usher syndrome type 1D (USH1D). Also called: USHER SYNDROME, TYPE ID. Identifiers: Orphanet 231169, Orphanet 886, MedGen C1832845, MONDO:0010984, OMIM 601067.
Autosomal recessive nonsyndromic hearing loss 12. Also called: DEAFNESS, AUTOSOMAL RECESSIVE 12. Identifiers: Orphanet 90636, MedGen C1832394, MONDO:0011067, OMIM 601386.

Allele frequency attached by ClinVar (database versions not stated): gnomAD exomes 0.00030; ExAC 0.00056; ESP Exome Variant Server 0.00079; gnomAD 0.00101 and 0.00103; TOPMed 0.00117; 1000 Genomes Project 30x 0.00172; 1000 Genomes Project 0.00200.
gnomAD v4.1: 407 of 1,557,966 alleles (0.026%); highest among the groups gnomAD compares: African/African-American, 0.33%; 5 homozygotes.

Submissions (10):

Labcorp Genetics (formerly Invitae), Labcorp
Classification: Likely benign. Last evaluated: 2026-02-01. Review status: criteria provided, single submitter. Criteria: Invitae Variant Classification Sherloc (09022015). Collection method: clinical testing. Allele origin: germline.

Blueprint Genetics
Classification: Likely benign. Last evaluated: 2024-06-27. Review status: criteria provided, single submitter. Criteria: ACMG Guidelines, 2015. Collection method: clinical testing. Allele origin: germline.

Illumina Laboratory Services, Illumina
Classification: Benign for Usher syndrome type 1D. Last evaluated: 2017-08-30. Review status: criteria provided, single submitter. Criteria: ICSL Variant Classification Criteria 13 December 2019. Collection method: clinical testing. Allele origin: germline.
Comment: This variant was observed as part of a predisposition screen in an ostensibly healthy population. A literature search was performed for the gene, cDNA change, and amino acid change (where applicable). No publications were found based on this search. Allele frequency data from public databases was too high to be consistent with this variant causing disease. Therefore, this variant is classified as benign.

Illumina Laboratory Services, Illumina
Classification: Uncertain significance for Autosomal recessive nonsyndromic hearing loss 12. Last evaluated: 2017-08-30. Review status: criteria provided, single submitter. Criteria: ICSL Variant Classification Criteria 13 December 2019. Collection method: clinical testing. Allele origin: germline.
Comment: This variant was observed as part of a predisposition screen in an ostensibly healthy population. A literature search was performed for the gene, cDNA change, and amino acid change (where applicable). Publications were found based on this search. However, the evidence from the literature, in combination with allele frequency data from public databases where available, was not sufficient to rule this variant in or out of causing disease. Therefore, this variant is classified as a variant of unknown significance.

Eurofins Ntd Llc (ga)
Classification: Uncertain significance. Last evaluated: 2016-05-10. Review status: criteria provided, single submitter. Criteria: EGL Classification Definitions 2015. Collection method: clinical testing. Allele origin: germline. Observed: 1 variant allele, 1 heterozygote.

Laboratory for Molecular Medicine, Mass General Brigham Personalized Medicine
Classification: Benign. Last evaluated: 2014-10-19. Review status: criteria provided, single submitter. Criteria: LMM Criteria. Collection method: clinical testing. Allele origin: germline. Observed: 4 variant alleles.
Comment: p.Val2723Leu in exon 57 of CDH23: This variant is not expected to have clinical significance because it has been identified in 5.2% (10/192) of LWK (Kenyan) chr omosomes by the 1000 Genomes Project and in 0.2% (9/4222) of African American ch romosomes by the NHLBI Exome Sequencing Project and (u/EVS/; rs111033480). In addition, the valine (Val) residue at position 2723 is not conserved across species, with at least 3 mammals (David's myotis, big brown bat, microbat) having a leucine (Leu) at this position.

PreventionGenetics, part of Exact Sciences
Classification: Benign. Review status: criteria provided, single submitter. Criteria: ACMG Guidelines, 2015. Collection method: clinical testing. Allele origin: germline.

Natera, Inc.
Classification: Uncertain significance for Usher syndrome type 1. Last evaluated: 2020-04-17. Review status: no assertion criteria provided. Collection method: clinical testing. Allele origin: germline. Not counted in ClinVar's aggregate classification.

Clinical Genetics DNA and cytogenetics Diagnostics Lab, Erasmus MC, Erasmus Medical Center
Classification: Likely benign. Review status: no assertion criteria provided. Collection method: clinical testing. Allele origin: germline. Affected: yes. Study: VKGL Data-share Consensus. Not counted in ClinVar's aggregate classification.

Laboratory of Diagnostic Genome Analysis, Leiden University Medical Center (LUMC)
Classification: Likely benign. Review status: no assertion criteria provided. Collection method: clinical testing. Allele origin: germline. Affected: yes. Study: VKGL Data-share Consensus. Not counted in ClinVar's aggregate classification.

Literature cited by the submitters: PubMed 27068579 (cited by Illumina Laboratory Services, Illumina); PubMed 22607986 (cited by Illumina Laboratory Services, Illumina and Laboratory for Molecular Medicine, Mass General Brigham Personalized Medicine).

NM_022124.6(CDH23):c.8167G>C (p.Val2723Leu)

Gene: CDH23 (cadherin related 23; plus strand). Cytogenetic location: 10q22.1.
Variant type: single nucleotide variant.
Coding change: c.8167G>C on transcript NM_022124.6 (MANE Select); coding-DNA position 8167, G replaced by C.
Protein change: p.Val2723Leu; replaces valine 2723 with leucine.
Molecular consequence: missense variant.
Genome position (GRCh38, 1-based): chr10:71,806,270, G>C. VCF-style: chr10-71806270-G-C. GRCh37 (hg19) VCF-style: chr10-73566027-G-C.
Other names: c.1447G>C, p.Val483Leu (NM_001171933.1, NM_001171934.1); short protein forms V2723L, V483L.
Identifiers: ClinVar variation 46045 (VCV000046045.28), dbSNP rs142857685, ClinGen allele CA137590.